The following is an entry in ClinVar:

ClinVar aggregate classification (germline): Conflicting classifications of pathogenicity. Review status: criteria provided, conflicting classifications (1 of 4 stars). 3 submissions from 3 submitters: Uncertain significance (2); Likely benign (1). Last evaluated 2025-08-10.

Conditions:
Long QT syndrome (LQTS). Identifiers: MedGen C0023976, MeSH D008133, MONDO:0002442. Disease mechanism: loss of function. Inheritance: Various modes of inheritance.
Long QT syndrome 12 (LQT12). Identifiers: Orphanet 101016, Orphanet 768, MedGen C2751830, MONDO:0013062, OMIM 612955.
Cardiovascular phenotype. Identifiers: MedGen CN230736.

Allele frequency attached by ClinVar (database versions not stated): gnomAD below 0.00001 and 0.00001; TOPMed 0.00001; gnomAD exomes 0.00014; ExAC 0.00063.

Submissions (3):

Labcorp Genetics (formerly Invitae), Labcorp
Classification: Uncertain significance for Long QT syndrome. Last evaluated: 2025-08-10. Review status: criteria provided, single submitter. Criteria: Invitae Variant Classification Sherloc (09022015). Collection method: clinical testing. Allele origin: germline.
Comment: This sequence change replaces valine, which is neutral and non-polar, with methionine, which is neutral and non-polar, at codon 39 of the SNTA1 protein (p.Val39Met). This variant is present in population databases (rs755986911, gnomAD 0.06%), and has an allele count higher than expected for a pathogenic variant. This variant has not been reported in the literature in individuals affected with SNTA1-related conditions. ClinVar contains an entry for this variant (Variation ID: 894981). Invitae Evidence Modeling of protein sequence and biophysical properties (such as structural, functional, and spatial information, amino acid conservation, physicochemical variation, residue mobility, and thermodynamic stability) indicates that this missense variant is not expected to disrupt SNTA1 protein function with a negative predictive value of 80%. In summary, the available evidence is currently insufficient to determine the role of this variant in disease. Therefore, it has been classified as a Variant of Uncertain Significance.

Ambry Genetics
Classification: Likely benign for Cardiovascular phenotype. Last evaluated: 2024-12-23. Review status: criteria provided, single submitter. Criteria: Ambry Variant Classification Scheme 2023. Collection method: clinical testing. Allele origin: germline.

Illumina Laboratory Services, Illumina
Classification: Uncertain significance for Long QT syndrome 12. Last evaluated: 2018-01-13. Review status: criteria provided, single submitter. Criteria: ICSL Variant Classification Criteria 13 December 2019. Collection method: clinical testing. Allele origin: germline.

NM_003098.3(SNTA1):c.115G>A (p.Val39Met)

Genes: SNTA1 (syntrophin alpha 1; minus strand), LOC130065680 (ATAC-STARR-seq lymphoblastoid silent region 12812; plus strand). Cytogenetic location: 20q11.21.
Variant type: single nucleotide variant.
Coding change: c.115G>A on transcript NM_003098.3 (MANE Select); coding-DNA position 115, G replaced by A.
Protein change: p.Val39Met; replaces valine 39 with methionine.
Molecular consequence: missense variant.
Genome position (GRCh38, 1-based): chr20:33,443,506, C>T on the plus strand (G>A on the coding strand, the complement: SNTA1 is on the minus strand). VCF-style: chr20-33443506-C-T. GRCh37 (hg19) VCF-style: chr20-32031312-C-T.
Other names: short protein forms V39M.
Identifiers: ClinVar variation 894981 (VCV000894981.10), dbSNP rs755986911, ClinGen allele CA9817271.